The following is an entry in ClinVar:

ClinVar aggregate classification (germline): Likely benign. Review status: criteria provided, multiple submitters, no conflicts (2 of 4 stars). 5 submissions from 5 submitters: Likely benign (4). 1 of the submissions does not count toward it. Last evaluated 2025-10-01.

Conditions:
Spermatogenic failure 43. Identifiers: MedGen C5231490, MONDO:0032898, OMIM 618751.
SPEF2-related disorder. Also called: SPEF2-related condition.

Allele frequency attached by ClinVar (database versions not stated): 1000 Genomes Project 0.00140; gnomAD 0.00143 and 0.00150; TOPMed 0.00149; 1000 Genomes Project 30x 0.00156; ExAC 0.00176; gnomAD exomes 0.00180 and 0.00236; ESP Exome Variant Server 0.00209.
gnomAD v4.1: 3,658 of 1,614,052 alleles (0.23%); highest among the groups gnomAD compares: Non-Finnish European, 0.26%; 7 homozygotes.

Submissions (5):

CeGaT Center for Human Genetics Tuebingen
Classification: Likely benign. Last evaluated: 2025-10-01. Review status: criteria provided, single submitter. Criteria: CeGaT Center For Human Genetics Tuebingen Variant Classification Criteria Version 2. Collection method: clinical testing. Allele origin: germline. Affected: yes. Observed: 1 variant allele.
Comment: SPEF2: BP4, BS2

Fulgent Genetics
Classification: Likely benign for Spermatogenic failure 43. Last evaluated: 2021-10-07. Review status: criteria provided, single submitter. Criteria: ACMG Guidelines, 2015. Collection method: clinical testing. Allele origin: unknown.

Labcorp Genetics (formerly Invitae), Labcorp
Classification: Likely benign. Last evaluated: 2018-06-26. Review status: criteria provided, single submitter. Criteria: Invitae Variant Classification Sherloc (09022015). Collection method: clinical testing. Allele origin: germline.

Breakthrough Genomics
Classification: Likely benign. Review status: criteria provided, single submitter. Criteria: ACMG Guidelines, 2015. Collection method: not provided. Allele origin: germline. Inheritance: Autosomal recessive inheritance. Affected: yes.

PreventionGenetics, part of Exact Sciences
Classification: Likely benign for SPEF2-related condition. Last evaluated: 2022-04-10. Review status: no assertion criteria provided. Collection method: clinical testing. Allele origin: germline. Not counted in ClinVar's aggregate classification.
Comment: This variant is classified as likely benign based on ACMG/AMP sequence variant interpretation guidelines (Richards et al. 2015 PMID: 25741868, with internal and published modifications).

NM_024867.4(SPEF2):c.1633C>T (p.Pro545Ser)

Gene: SPEF2 (sperm flagellar and cilia associated 2; plus strand). Cytogenetic location: 5p13.2.
Variant type: single nucleotide variant.
Coding change: c.1633C>T on transcript NM_024867.4 (MANE Select); coding-DNA position 1633, C replaced by T.
Protein change: p.Pro545Ser; replaces proline 545 with serine.
Molecular consequence: missense variant.
Genome position (GRCh38, 1-based): chr5:35,691,145, C>T. VCF-style: chr5-35691145-C-T. GRCh37 (hg19) VCF-style: chr5-35691247-C-T.
Other names: short protein forms P545S.
Identifiers: ClinVar variation 769650 (VCV000769650.13), dbSNP rs185000070, ClinGen allele CA3230545.